The following is an entry in ClinVar:

NM_004369.4(COL6A3):c.6156G>C (p.Lys2052Asn)

Gene: COL6A3 (collagen type VI alpha 3 chain; minus strand). Cytogenetic location: 2q37.3.
Variant type: single nucleotide variant.
Coding change: c.6156G>C on transcript NM_004369.4 (MANE Select); coding-DNA position 6156, G replaced by C.
Protein change: p.Lys2052Asn; replaces lysine 2052 with asparagine.
Molecular consequence: missense variant.
Genome position (GRCh38, 1-based): chr2:237,361,739, C>G on the plus strand (G>C on the coding strand, the complement: COL6A3 is on the minus strand). VCF-style: chr2-237361739-C-G. GRCh37 (hg19) VCF-style: chr2-238270382-C-G.
Other names: c.4335G>C, p.Lys1445Asn (NM_057166.5); c.5538G>C, p.Lys1846Asn (NM_057167.4); short protein forms K1445N, K1846N.
Identifiers: ClinVar variation 94954 (VCV000094954.17), dbSNP rs398124125, ClinGen allele CA222633.

ClinVar aggregate classification (germline): Conflicting classifications of pathogenicity. Review status: criteria provided, conflicting classifications (1 of 4 stars). 4 submissions from 4 submitters: Likely pathogenic (1); Uncertain significance (3). Last evaluated 2025-08-26.

Conditions:
Bethlem myopathy 1A. Also called: MYOPATHY, BENIGN CONGENITAL, WITH CONTRACTURES; Bethlem myopathy 1; Bethlem Muscular Dystrophy. Identifiers: Orphanet 610, MedGen CN029274, MONDO:0024530, OMIM 158810.

Submissions (4):

Labcorp Genetics (formerly Invitae), Labcorp
Classification: Likely pathogenic for Bethlem myopathy 1A. Last evaluated: 2025-08-26. Review status: criteria provided, single submitter. Criteria: Invitae Variant Classification Sherloc (09022015). Collection method: clinical testing. Allele origin: germline.
Comment: This sequence change replaces lysine, which is basic and polar, with asparagine, which is neutral and polar, at codon 2052 of the COL6A3 protein (p.Lys2052Asn). This variant also falls at the last nucleotide of exon 15, which is part of the consensus splice site for this exon. This variant is not present in population databases (gnomAD no frequency). This missense change has been observed in individual(s) with clinical features of autosomal dominant COL6A3-related conditions (internal data). ClinVar contains an entry for this variant (Variation ID: 94954). An algorithm developed to predict the effect of missense changes on protein structure and function (PolyPhen-2) suggests that this variant is likely to be disruptive. Variants that disrupt the consensus splice site are a relatively common cause of aberrant splicing (PMID: 17576681, 9536098). Algorithms developed to predict the effect of sequence changes on RNA splicing suggest that this variant may disrupt the consensus splice site. This variant disrupts the 6156 nucleotide in the COL6A3 gene. Other variant(s) that disrupt this nucleotide have been determined to be pathogenic (internal data). This suggests that this nucleotide is clinically significant, and that variants that disrupt this position are likely to be disease-causing. In summary, the currently available evidence indicates that the variant is pathogenic, but additional data are needed to prove that conclusively. Therefore, this variant has been classified as Likely Pathogenic.

Revvity Omics, Revvity
Classification: Uncertain significance. Last evaluated: 2022-03-14. Review status: criteria provided, single submitter. Criteria: ACMG Guidelines, 2015. Collection method: clinical testing. Allele origin: germline.

GeneDx
Classification: Uncertain significance. Last evaluated: 2017-10-12. Review status: criteria provided, single submitter. Criteria: GeneDx Variant Classification (06012015). Collection method: clinical testing. Allele origin: germline. Affected: yes.
Comment: A variant of uncertain significance has been identified in the COL6A3 gene. The c.6156 G>C variant has not been published as a pathogenic variant, nor has it been reported as a benign variant to our knowledge. The c.6156 G>C variant is not observed in large population cohorts (Lek et al., 2016). Several in-silico splice prediction models predict that c.6156 G>C weakens or destroys the natural donor site for intron 15 which may lead to abnormal gene splicing. However, in the absence of RNA/functional studies, the actual effect of this sequence change in this individual is unknown. If the c.6156 G>C variant does not affect splicing, it will result in the K2052N missense change. The K2052N variant is a semi-conservative amino acid substitution, which may impact secondary protein structure as these residues differ in some properties. This substitution occurs at a position that is conserved across species; and in silico analysis predicts this variant is probably damaging to the protein structure/function. Based on the currently available information, it is unclear whether this variant is a pathogenic variant or a rare benign variant.

Eurofins Ntd Llc (ga)
Classification: Uncertain significance. Last evaluated: 2013-11-19. Review status: criteria provided, single submitter. Criteria: EGL Classification Definitions 2015. Collection method: clinical testing. Allele origin: germline. Observed: 2 variant alleles, 2 heterozygotes.

Literature cited by the submitters: PubMed 17576681 (cited by Labcorp Genetics (formerly Invitae), Labcorp); PubMed 9536098 (cited by Labcorp Genetics (formerly Invitae), Labcorp).